The following is an entry in ClinVar:

ClinVar aggregate classification (germline): Conflicting classifications of pathogenicity. Review status: criteria provided, conflicting classifications (1 of 4 stars). 5 submissions from 5 submitters: Likely pathogenic (2); Uncertain significance (3). Last evaluated 2024-01-26.

Conditions:
Carnitine palmitoyl transferase 1A deficiency. Also called: Carnitine palmitoyltransferase 1A deficiency; Carnitine palmitoyltransferase type I deficiency; CPT deficiency, hepatic, type IA; CPT I DEFICIENCY; CPT DEFICIENCY, HEPATIC, TYPE I. Identifiers: Orphanet 156, MedGen C1829703, MONDO:0009705, OMIM 255120.

Allele frequency attached by ClinVar (database versions not stated): TOPMed below 0.00001; gnomAD 0.00001; gnomAD exomes 0.00002 and 0.00003; ExAC 0.00003.

Submissions (5):

Labcorp Genetics (formerly Invitae), Labcorp
Classification: Uncertain significance for Carnitine palmitoyl transferase 1A deficiency. Last evaluated: 2024-01-26. Review status: criteria provided, single submitter. Criteria: Invitae Variant Classification Sherloc (09022015). Collection method: clinical testing. Allele origin: germline.
Comment: This sequence change replaces serine, which is neutral and polar, with asparagine, which is neutral and polar, at codon 106 of the CPT1A protein (p.Ser106Asn). This variant is present in population databases (rs766819782, gnomAD 0.005%). This missense change has been observed in individual(s) with carnitine palmitoyltransferase 1A deficiency (Invitae). ClinVar contains an entry for this variant (Variation ID: 1199121). Advanced modeling of protein sequence and biophysical properties (such as structural, functional, and spatial information, amino acid conservation, physicochemical variation, residue mobility, and thermodynamic stability) performed at Invitae indicates that this missense variant is not expected to disrupt CPT1A protein function with a negative predictive value of 95%. In summary, the available evidence is currently insufficient to determine the role of this variant in disease. Therefore, it has been classified as a Variant of Uncertain Significance.

CeGaT Center for Human Genetics Tuebingen
Classification: Uncertain significance. Last evaluated: 2023-10-01. Review status: criteria provided, single submitter. Criteria: CeGaT Center For Human Genetics Tuebingen Variant Classification Criteria Version 2. Collection method: clinical testing. Allele origin: germline. Affected: yes. Observed: 1 variant allele.
Comment: CPT1A: PM2, PP4:Moderate, PM3:Supporting

Genome-Nilou Lab
Classification: Uncertain significance for Carnitine palmitoyl transferase 1A deficiency. Last evaluated: 2021-07-14. Review status: criteria provided, single submitter. Criteria: ACMG Guidelines, 2015. Collection method: clinical testing. Allele origin: germline. Affected: no.

GeneDx
Classification: Likely pathogenic. Last evaluated: 2021-01-16. Review status: criteria provided, single submitter. Criteria: GeneDx Variant Classification Process June 2021. Collection method: clinical testing. Allele origin: germline. Affected: yes.
Comment: Has not been previously published as pathogenic or benign to our knowledge; Not observed at a significant frequency in large population cohorts (Lek et al., 2016); In silico analysis supports that this missense variant has a deleterious effect on protein structure/function

Centre of Medical Genetics, University Hospital Muenster
Classification: Likely pathogenic for Carnitine palmitoyl transferase 1A deficiency. Last evaluated: 2020-05-14. Review status: criteria provided, single submitter. Criteria: ACMG Guidelines, 2015. Collection method: clinical testing. Allele origin: germline. Affected: yes. Observed: 1 variant allele, 1 heterozygote.
Comment: ACMG categories: PS5,PM1,PM2,PP4

NM_001876.4(CPT1A):c.317G>A (p.Ser106Asn)

Gene: CPT1A (carnitine palmitoyltransferase 1A; minus strand). Cytogenetic location: 11q13.3.
Variant type: single nucleotide variant.
Coding change: c.317G>A on transcript NM_001876.4 (MANE Select); coding-DNA position 317, G replaced by A.
Protein change: p.Ser106Asn; replaces serine 106 with asparagine.
Molecular consequence: missense variant.
Genome position (GRCh38, 1-based): chr11:68,807,603, C>T on the plus strand (G>A on the coding strand, the complement: CPT1A is on the minus strand). VCF-style: chr11-68807603-C-T. GRCh37 (hg19) VCF-style: chr11-68575071-C-T.
Other names: c.317G>A, p.Ser106Asn (NM_001031847.3); short protein forms S106N.
Identifiers: ClinVar variation 1199121 (VCV001199121.33), dbSNP rs766819782, ClinGen allele CA6152708.